The following is an entry in ClinVar:

NM_014215.3(INSRR):c.2565C>T (p.Arg855=)

Genes: INSRR (insulin receptor related receptor; minus strand), NTRK1 (neurotrophic receptor tyrosine kinase 1; plus strand). Cytogenetic location: 1q23.1.
Variant type: single nucleotide variant.
Coding change: c.2565C>T on transcript NM_014215.3 (MANE Select); coding-DNA position 2565, C replaced by T.
Protein change: p.Arg855=; no amino-acid change (arginine 855 retained).
Molecular consequence: synonymous variant. On other transcripts: intron variant (1).
Genome position (GRCh38, 1-based): chr1:156,844,716, G>A on the plus strand (C>T on the coding strand, the complement: INSRR is on the minus strand). VCF-style: chr1-156844716-G-A. GRCh37 (hg19) VCF-style: chr1-156814508-G-A.
Other names: c.122+2523G>A (NM_001007792.1).
Identifiers: ClinVar variation 4084205 (VCV004084205.8).

ClinVar aggregate classification (germline): Likely benign (1 of 4 stars; one submission).

gnomAD v4.1: 1,502 of 1,614,158 alleles (0.093%); highest among the groups gnomAD compares: Non-Finnish European, 0.11%; no homozygotes.

Submission:

CeGaT Center for Human Genetics Tuebingen
Classification: Likely benign. Last evaluated: 2025-07-01. Review status: criteria provided, single submitter. Criteria: CeGaT Center For Human Genetics Tuebingen Variant Classification Criteria Version 2. Collection method: clinical testing. Allele origin: germline. Affected: yes. Observed: 1 variant allele.
Comment: INSRR: BP4, BP7